The following is an entry in ClinVar:

NM_007363.5(NONO):c.1331T>C (p.Ile444Thr)

Gene: NONO (non-POU domain containing octamer binding; plus strand). Cytogenetic location: Xq13.1.
Variant type: single nucleotide variant.
Coding change: c.1331T>C on transcript NM_007363.5 (MANE Select); coding-DNA position 1331, T replaced by C.
Protein change: p.Ile444Thr; replaces isoleucine 444 with threonine.
Molecular consequence: missense variant.
Genome position (GRCh38, 1-based): chrX:71,299,991, T>C. VCF-style: chrX-71299991-T-C. GRCh37 (hg19) VCF-style: chrX-70519841-T-C.
Other names: c.1331T>C, p.Ile444Thr (NM_001145408.2, NM_001145409.2); c.1064T>C, p.Ile355Thr (NM_001145410.2); short protein forms I355T, I444T.
Identifiers: ClinVar variation 2579951 (VCV002579951.1), dbSNP rs2519898421, ClinGen allele CA413550254.

ClinVar aggregate classification (germline): Uncertain significance (1 of 4 stars; one submission).

Submission:

GeneDx
Classification: Uncertain significance. Last evaluated: 2023-09-12. Review status: criteria provided, single submitter. Criteria: GeneDx Variant Classification Process June 2021. Collection method: clinical testing. Allele origin: germline. Affected: yes.
Comment: Not observed at significant frequency in large population cohorts (gnomAD); In silico analysis supports that this missense variant does not alter protein structure/function; Has not been previously published as pathogenic or benign to our knowledge; This variant is associated with the following publications: (PMID: 27535533)